The following is an entry in ClinVar:

ClinVar aggregate classification (germline): Uncertain significance (1 of 4 stars; one submission).

Conditions:
Inborn genetic diseases. Identifiers: MedGen C0950123, MeSH D030342.

Submission:

Ambry Genetics
Classification: Uncertain significance for Inborn genetic diseases. Last evaluated: 2025-09-18. Review status: criteria provided, single submitter. Criteria: Ambry Variant Classification Scheme 2023. Collection method: clinical testing. Allele origin: germline.
Comment: The p.P1011T variant (also known as c.3031C>A), located in coding exon 20 of the PIK3CA gene, results from a C to A substitution at nucleotide position 3031. The proline at codon 1011 is replaced by threonine, an amino acid with highly similar properties. This amino acid position is conserved. In addition, this alteration is predicted to be deleterious by in silico analysis. Based on the available evidence, the clinical significance of this variant remains unclear.

NM_006218.4(PIK3CA):c.3031C>A (p.Pro1011Thr)

Gene: PIK3CA (phosphatidylinositol-4,5-bisphosphate 3-kinase catalytic subunit alpha; plus strand). Cytogenetic location: 3q26.32.
Variant type: single nucleotide variant.
Coding change: c.3031C>A on transcript NM_006218.4 (MANE Select); coding-DNA position 3031, C replaced by A.
Protein change: p.Pro1011Thr; replaces proline 1011 with threonine.
Molecular consequence: missense variant.
Genome position (GRCh38, 1-based): chr3:179,234,188, C>A. VCF-style: chr3-179234188-C-A. GRCh37 (hg19) VCF-style: chr3-178951976-C-A.
Other names: short protein forms P1011T.
Identifiers: ClinVar variation 4627615 (VCV004627615.1).